The following is an entry in ClinVar:

NM_001083111.2(GNRH1):c.-2+5A>C

Gene: GNRH1 (gonadotropin releasing hormone 1; minus strand). Cytogenetic location: 8p21.2.
Variant type: single nucleotide variant.
Coding change: c.-2+5A>C on transcript NM_001083111.2 (MANE Select); 5 bases into the intron after 2 bases upstream of the start codon, A replaced by C.
Molecular consequence: intron variant. On other transcripts: 5 prime UTR variant (1).
Genome position (GRCh38, 1-based): chr8:25,424,196, T>G on the plus strand (A>C on the coding strand, the complement: GNRH1 is on the minus strand). VCF-style: chr8-25424196-T-G. GRCh37 (hg19) VCF-style: chr8-25281712-T-G.
Other names: c.-854A>C (NM_000825.3).
Identifiers: ClinVar variation 362659 (VCV000362659.5), dbSNP rs78322917, ClinGen allele CA10625258.

ClinVar aggregate classification (germline): Likely benign (1 of 4 stars; one submission).

Conditions:
Hypogonadotropic hypogonadism 12 with or without anosmia (HH12). Also called: GNRH1-Related GnRH Deficiency; Gonadotropin deficiency familial idiopathic. Identifiers: Orphanet 432, MedGen C1856897, MONDO:0013914, OMIM 614841.

Allele frequency attached by ClinVar (database versions not stated): 1000 Genomes Project 0.01158; 1000 Genomes Project 30x 0.01249; gnomAD 0.01063 and 0.01139; TOPMed 0.01239.

Submission:

Illumina Laboratory Services, Illumina
Classification: Likely benign for Hypogonadotropic hypogonadism 12 with or without anosmia. Last evaluated: 2018-01-13. Review status: criteria provided, single submitter. Criteria: ICSL Variant Classification Criteria 13 December 2019. Collection method: clinical testing. Allele origin: germline.
Comment: This variant was observed in the ICSL laboratory as part of a predisposition screen in an ostensibly healthy population. It had not been previously curated by ICSL or reported in the Human Gene Mutation Database (HGMD: prior to June 1st, 2018), and was therefore a candidate for classification through an automated scoring system. Utilizing variant allele frequency, disease prevalence and penetrance estimates, and inheritance mode, an automated score was calculated to assess if this variant is too frequent to cause the disease. Based on the score and internal cut-off values, a variant classified as likely benign is not then subjected to further curation. The score for this variant resulted in a classification of likely benign for this disease.